The following is an entry in ClinVar:

ClinVar aggregate classification (germline): Benign (1 of 4 stars; one submission).

Conditions:
Posterior column ataxia-retinitis pigmentosa syndrome (RETSNS). Also called: RETINOPATHY-SENSORY NEUROPATHY SYNDROME. Identifiers: Orphanet 88628, MedGen C1836916, MONDO:0012177, OMIM 609033.

Allele frequency attached by ClinVar (database versions not stated): 1000 Genomes Project 30x 0.01640; gnomAD 0.00916 and 0.00936; 1000 Genomes Project 0.01458; TOPMed 0.01136.

Submission:

Illumina Laboratory Services, Illumina
Classification: Benign for Posterior column ataxia-retinitis pigmentosa syndrome. Last evaluated: 2018-01-13. Review status: criteria provided, single submitter. Criteria: ICSL Variant Classification Criteria 13 December 2019. Collection method: clinical testing. Allele origin: germline.
Comment: This variant was observed in the ICSL laboratory as part of a predisposition screen in an ostensibly healthy population. It had not been previously curated by ICSL or reported in the Human Gene Mutation Database (HGMD: prior to June 1st, 2018), and was therefore a candidate for classification through an automated scoring system. Utilizing variant allele frequency, disease prevalence and penetrance estimates, and inheritance mode, an automated score was calculated to assess if this variant is too frequent to cause the disease. Based on the score and internal cut-off values, a variant classified as benign is not then subjected to further curation. The score for this variant resulted in a classification of benign for this disease.

NM_014053.4(FLVCR1):c.*1544A>G

Gene: FLVCR1 (FLVCR choline and heme transporter 1; plus strand). Cytogenetic location: 1q32.3.
Variant type: single nucleotide variant.
Coding change: c.*1544A>G on transcript NM_014053.4 (MANE Select); 1544 bases downstream of the stop codon, A replaced by G.
Molecular consequence: 3 prime UTR variant.
Genome position (GRCh38, 1-based): chr1:212,896,834, A>G. VCF-style: chr1-212896834-A-G. GRCh37 (hg19) VCF-style: chr1-213070176-A-G.
Identifiers: ClinVar variation 295357 (VCV000295357.5), dbSNP rs6685793, ClinGen allele CA10608992.
Genomic context (GRCh38, chr1:212,896,834, plus strand): 5'-TTGGGAGGCTGAAGCGTGTGGATCACCTGAGGTCAGGAGTTCAAGACCAGCCTGGCCAAC[A>G]TGGTAAAACCCCATCTCTACTAAAAAAAAAAAAAAAAAAAAAAAAAAAAAAAAAGGCCAG-3'